The following is an entry in ClinVar:

NM_001384732.1(CPLANE1):c.274C>T (p.Gln92Ter)

Gene: CPLANE1 (ciliogenesis and planar polarity effector complex subunit 1; minus strand). Cytogenetic location: 5p13.2.
Variant type: single nucleotide variant.
Coding change: c.274C>T on transcript NM_001384732.1 (MANE Select); coding-DNA position 274, C replaced by T.
Protein change: p.Gln92Ter; replaces glutamine 92 with a stop codon.
Molecular consequence: nonsense.
Genome position (GRCh38, 1-based): chr5:37,245,542, G>A on the plus strand (C>T on the coding strand, the complement: CPLANE1 is on the minus strand). VCF-style: chr5-37245542-G-A. GRCh37 (hg19) VCF-style: chr5-37245644-G-A.
Other names: c.274C>T, p.Gln92Ter (NM_023073.4); short protein forms Q92*.
Identifiers: ClinVar variation 4718325 (VCV004718325.1).

ClinVar aggregate classification (germline): Pathogenic (1 of 4 stars; one submission).

Submission:

Labcorp Genetics (formerly Invitae), Labcorp
Classification: Pathogenic. Last evaluated: 2025-09-25. Review status: criteria provided, single submitter. Criteria: Invitae Variant Classification Sherloc (09022015). Collection method: clinical testing. Allele origin: germline.
Comment: This sequence change creates a premature translational stop signal (p.Gln92*) in the CPLANE1 gene. It is expected to result in an absent or disrupted protein product. Loss-of-function variants in CPLANE1 are known to be pathogenic (PMID: 24178751, 26092869). This variant is not present in population databases (gnomAD no frequency). This variant has not been reported in the literature in individuals affected with CPLANE1-related conditions. Algorithms developed to predict the effect of sequence changes on RNA splicing suggest that this variant may disrupt the consensus splice site. For these reasons, this variant has been classified as Pathogenic.

Literature cited by the submitters: PubMed 24178751; PubMed 26092869.